The following is an entry in ClinVar:

ClinVar aggregate classification (germline): Benign. Review status: reviewed by expert panel (3 of 4 stars). 13 submissions from 13 submitters: Benign (1). 12 of the submissions do not count toward it. Last evaluated 2024-06-25.

Conditions:
Hereditary cancer-predisposing syndrome. Also called: Tumor predisposition; Hereditary neoplastic syndrome; Neoplastic Syndromes, Hereditary; Hereditary Cancer Syndrome. Identifiers: Orphanet 140162, MedGen C0027672, MeSH D009386, MONDO:0015356.
Chuvash polycythemia. Also called: POLYCYTHEMIA, VHL-DEPENDENT. Identifiers: Orphanet 238557, MedGen C1837915, MONDO:0009892, OMIM 263400.
Von Hippel-Lindau syndrome (VHLS). Also called: von Hippel–Lindau syndrome; VHL syndrome; Von Hippel-Lindau. Identifiers: Orphanet 892, MedGen C0019562, MONDO:0008667, OMIM 193300. Disease mechanism: loss of function.

Allele frequency attached by ClinVar (database versions not stated): ExAC 0.00007; gnomAD exomes 0.00010 and 0.00025; gnomAD 0.00013 and 0.00014; TOPMed 0.00014.

Submissions (13):

ClinGen VHL Variant Curation Expert Panel, ClinGen
Classification: Benign for Von Hippel-Lindau syndrome. Last evaluated: 2024-06-25. Review status: reviewed by expert panel. Criteria: ClinGen VHL VCEP ACMG Specifications VHL V1. Collection method: curation. Allele origin: germline. Inheritance: Autosomal dominant inheritance.
Comment: The variant NM_000551.4(VHL):c.246C>T (p.Arg82=) is a synonymous (silent) variant that does not display splicing impact according to SpliceAI and VarSeak (BP4). The GroupMax Filtering Allele Frequency (95% CI) in gnomAD v4.1.0 is 0.0002832 (365/1179692 from European, Non-Finnish Population). This is higher than the ClinGen VHL VCEP threshold of >=0.000156 (0.0156%) threshold expected for VHL disease (BA1). In summary, this variant meets the criteria to be classified as Benign for autosomal-dominant von Hippel Lindau syndrome (VHL syndrome) based on the ACMG/AMP criteria applied, as specified by the ClinGen VHL VCEP Version 1.0 (Specifications approval date: 02/26/2024. Variant Approval Date 06/25/2024).

Women's Health and Genetics/Laboratory Corporation of America, LabCorp
Classification: Benign. Last evaluated: 2026-02-12. Review status: criteria provided, single submitter. Criteria: LabCorp Variant Classification Summary - May 2015. Collection method: clinical testing. Allele origin: germline. Not counted in ClinVar's aggregate classification.

Labcorp Genetics (formerly Invitae), Labcorp
Classification: Likely benign for Von Hippel-Lindau syndrome; Chuvash polycythemia. Last evaluated: 2026-01-26. Review status: criteria provided, single submitter. Criteria: Invitae Variant Classification Sherloc (09022015). Collection method: clinical testing. Allele origin: germline. Not counted in ClinVar's aggregate classification.

Myriad Genetics, Inc.
Classification: Benign for Von Hippel-Lindau syndrome. Last evaluated: 2025-06-10. Review status: criteria provided, single submitter. Criteria: Myriad Autosomal Dominant, Autosomal Recessive and X-Linked Classification Criteria (2023). Collection method: clinical testing. Allele origin: unknown. Not counted in ClinVar's aggregate classification.
Comment: This variant is considered benign. This variant is a silent/synonymous amino acid change and it is not expected to impact splicing.

Center for Genomic Medicine, Rigshospitalet, Copenhagen University Hospital
Classification: Likely benign. Last evaluated: 2025-03-04. Review status: criteria provided, single submitter. Criteria: ACMG Guidelines, 2015. Collection method: clinical testing. Allele origin: germline. Not counted in ClinVar's aggregate classification.

Blueprint Genetics
Classification: Likely benign. Last evaluated: 2024-08-07. Review status: criteria provided, single submitter. Criteria: ACMG Guidelines, 2015. Collection method: clinical testing. Allele origin: germline. Not counted in ClinVar's aggregate classification.

All of Us Research Program, National Institutes of Health
Classification: Likely benign for Von Hippel-Lindau syndrome. Last evaluated: 2024-02-05. Review status: criteria provided, single submitter. Criteria: ACMG Guidelines, 2015. Collection method: clinical testing. Allele origin: germline. Inheritance: Autosomal dominant inheritance. Observed: 45 variant alleles, 45 heterozygotes. Not counted in ClinVar's aggregate classification.
Comment: This study involves interpretation of variants in research participants for the purpose of population health screening. Participant phenotype was not available at the time of variant classification. Additional details can be found in publication PMID: 35346344, PMCID: PMC8962531

Color Diagnostics, LLC DBA Color Health
Classification: Likely benign for Von Hippel-Lindau syndrome. Last evaluated: 2022-09-20. Review status: criteria provided, single submitter. Criteria: ACMG Guidelines, 2015. Collection method: clinical testing. Allele origin: germline. Not counted in ClinVar's aggregate classification.

Sema4
Classification: Benign for Hereditary cancer-predisposing syndrome. Last evaluated: 2021-05-21. Review status: criteria provided, single submitter. Criteria: Sema4 Curation Guidelines. Collection method: curation. Allele origin: germline. Not counted in ClinVar's aggregate classification.

PreventionGenetics, part of Exact Sciences
Classification: Likely benign. Last evaluated: 2016-12-14. Review status: criteria provided, single submitter. Criteria: ACMG Guidelines, 2015. Collection method: clinical testing. Allele origin: germline. Not counted in ClinVar's aggregate classification.

Ambry Genetics
Classification: Likely benign for Hereditary cancer-predisposing syndrome. Last evaluated: 2015-08-31. Review status: criteria provided, single submitter. Criteria: Ambry Variant Classification Scheme 2023. Collection method: clinical testing. Allele origin: germline. Not counted in ClinVar's aggregate classification.

GeneDx
Classification: Benign. Last evaluated: 2014-02-14. Review status: criteria provided, single submitter. Criteria: GeneDx Variant Classification (06012015). Collection method: clinical testing. Allele origin: germline. Affected: yes. Not counted in ClinVar's aggregate classification.
Comment: This variant is considered likely benign or benign based on one or more of the following criteria: it is a conservative change, it occurs at a poorly conserved position in the protein, it is predicted to be benign by multiple in silico algorithms, and/or has population frequency not consistent with disease.

Counsyl
Classification: Likely benign for Von Hippel-Lindau syndrome. Last evaluated: 2015-12-01. Review status: no assertion criteria provided. Collection method: clinical testing. Allele origin: unknown. Not counted in ClinVar's aggregate classification.

NM_000551.4(VHL):c.246C>T (p.Arg82=)

Gene: VHL (von Hippel-Lindau tumor suppressor; plus strand). Cytogenetic location: 3p25.3.
Variant type: single nucleotide variant.
Coding change: c.246C>T on transcript NM_000551.4 (MANE Select); coding-DNA position 246, C replaced by T.
Protein change: p.Arg82=; no amino-acid change (arginine 82 retained).
Molecular consequence: synonymous variant.
Genome position (GRCh38, 1-based): chr3:10,142,093, C>T. VCF-style: chr3-10142093-C-T. GRCh37 (hg19) VCF-style: chr3-10183777-C-T.
Other names: p.R82R:CGC>CGT; NM_000551.4(VHL):c.246C>T; p.Arg82=; c.246C>T, p.Arg82= (NM_001354723.2, NM_198156.3).
Identifiers: ClinVar variation 137905 (VCV000137905.27), dbSNP rs587780993, ClinGen allele CA020164.